The following is an entry in ClinVar:

ClinVar aggregate classification (germline): Uncertain significance (1 of 4 stars; one submission).

Conditions:
Heterotaxy, visceral, 5, autosomal (HTX5). Also called: Heterotaxy, visceral, 5. Identifiers: Orphanet 450, MedGen C3495537, MONDO:0700112, OMIM 270100.

Allele frequency attached by ClinVar (database versions not stated): gnomAD exomes below 0.00001.
gnomAD v4.1: 1 of 1,614,196 alleles (0.000062%); highest among the groups gnomAD compares: Middle Eastern, 0.016%; no homozygotes.

Submission:

Labcorp Genetics (formerly Invitae), Labcorp
Classification: Uncertain significance for Heterotaxy, visceral, 5, autosomal. Last evaluated: 2021-04-08. Review status: criteria provided, single submitter. Criteria: Invitae Variant Classification Sherloc (09022015). Collection method: clinical testing. Allele origin: germline.
Comment: This variant has not been reported in the literature in individuals with NODAL-related conditions. This variant is not present in population databases (ExAC no frequency). This sequence change replaces threonine with isoleucine at codon 140 of the NODAL protein (p.Thr140Ile). The threonine residue is moderately conserved and there is a moderate physicochemical difference between threonine and isoleucine. Algorithms developed to predict the effect of missense changes on protein structure and function (SIFT, PolyPhen-2, Align-GVGD) all suggest that this variant is likely to be tolerated, but these predictions have not been confirmed by published functional studies and their clinical significance is uncertain. In summary, the available evidence is currently insufficient to determine the role of this variant in disease. Therefore, it has been classified as a Variant of Uncertain Significance.

NM_018055.5(NODAL):c.419C>T (p.Thr140Ile)

Gene: NODAL (nodal growth differentiation factor; minus strand). Cytogenetic location: 10q22.1.
Variant type: single nucleotide variant.
Coding change: c.419C>T on transcript NM_018055.5 (MANE Select); coding-DNA position 419, C replaced by T.
Protein change: p.Thr140Ile; replaces threonine 140 with isoleucine.
Molecular consequence: missense variant.
Genome position (GRCh38, 1-based): chr10:70,435,758, G>A on the plus strand (C>T on the coding strand, the complement: NODAL is on the minus strand). VCF-style: chr10-70435758-G-A. GRCh37 (hg19) VCF-style: chr10-72195514-G-A.
Other names: c.20C>T, p.Thr7Ile (NM_001329906.2); short protein forms T140I, T7I.
Identifiers: ClinVar variation 1480606 (VCV001480606.8), dbSNP rs2132215381, ClinGen allele CA376946354.